The following is an entry in ClinVar:

ClinVar aggregate classification (germline): Likely benign. Review status: criteria provided, multiple submitters, no conflicts (2 of 4 stars). 4 submissions from 4 submitters: Likely benign (3). 1 of the submissions does not count toward it. Last evaluated 2026-06-01.

Conditions:
NBEA-related disorder. Also called: NBEA-related condition.

Allele frequency attached by ClinVar (database versions not stated): gnomAD exomes 0.00005; ExAC 0.00007; ESP Exome Variant Server 0.00008; gnomAD 0.00011; TOPMed 0.00014.
gnomAD v4.1: 96 of 1,532,860 alleles (0.0063%); highest among the groups gnomAD compares: Middle Eastern, 0.1%; 1 homozygote.

Submissions (4):

CeGaT Center for Human Genetics Tuebingen
Classification: Likely benign. Last evaluated: 2026-06-01. Review status: criteria provided, single submitter. Criteria: CeGaT Center For Human Genetics Tuebingen Variant Classification Criteria Version 2. Collection method: clinical testing. Allele origin: germline. Affected: yes. Observed: 3 variant alleles.
Comment: NBEA: BP4, BP7

Women's Health and Genetics/Laboratory Corporation of America, LabCorp
Classification: Likely benign. Last evaluated: 2025-06-09. Review status: criteria provided, single submitter. Criteria: LabCorp Variant Classification Summary - May 2015. Collection method: clinical testing. Allele origin: germline.

Blueprint Genetics
Classification: Likely benign. Last evaluated: 2024-06-18. Review status: criteria provided, single submitter. Criteria: ACMG Guidelines, 2015. Collection method: clinical testing. Allele origin: germline.

PreventionGenetics, part of Exact Sciences
Classification: Likely benign for NBEA-related condition. Last evaluated: 2019-11-12. Review status: no assertion criteria provided. Collection method: clinical testing. Allele origin: germline. Not counted in ClinVar's aggregate classification.
Comment: This variant is classified as likely benign based on ACMG/AMP sequence variant interpretation guidelines (Richards et al. 2015 PMID: 25741868, with internal and published modifications).

NM_001385012.1(NBEA):c.6150A>G (p.Lys2050=)

Gene: NBEA (neurobeachin; plus strand). Cytogenetic location: 13q13.3.
Variant type: single nucleotide variant.
Coding change: c.6150A>G on transcript NM_001385012.1 (MANE Select); coding-DNA position 6150, A replaced by G.
Protein change: p.Lys2050=; no amino-acid change (lysine 2050 retained).
Molecular consequence: synonymous variant.
Genome position (GRCh38, 1-based): chr13:35,352,294, A>G. VCF-style: chr13-35352294-A-G. GRCh37 (hg19) VCF-style: chr13-35926431-A-G.
Other names: c.6141A>G, p.Lys2047= (NM_001379245.1); c.6150A>G, p.Lys2050= (NM_015678.5); c.6150A>G (NM_015678.4).
Identifiers: ClinVar variation 2643758 (VCV002643758.27), dbSNP rs368067602, ClinGen allele CA6947239.